The following is an entry in ClinVar:

ClinVar aggregate classification (germline): Likely benign. Review status: criteria provided, multiple submitters, no conflicts (2 of 4 stars). 4 submissions from 4 submitters: Likely benign (4). Last evaluated 2026-08-01.

Allele frequency attached by ClinVar (database versions not stated): gnomAD exomes 0.00009 and 0.00022; ExAC 0.00032; ESP Exome Variant Server 0.00072; gnomAD 0.00084 and 0.00090; TOPMed 0.00086; 1000 Genomes Project 30x 0.00156; 1000 Genomes Project 0.00160.
gnomAD v4.1: 274 of 1,602,742 alleles (0.017%); highest among the groups gnomAD compares: African/African-American, 0.28%; no homozygotes.

Submissions (4):

CeGaT Center for Human Genetics Tuebingen
Classification: Likely benign. Last evaluated: 2026-08-01. Review status: criteria provided, single submitter. Criteria: CeGaT Center For Human Genetics Tuebingen Variant Classification Criteria Version 2. Collection method: clinical testing. Allele origin: germline. Affected: yes. Observed: 1 variant allele.
Comment: LTBP4: BP4, BP7

Labcorp Genetics (formerly Invitae), Labcorp
Classification: Likely benign. Last evaluated: 2026-01-09. Review status: criteria provided, single submitter. Criteria: Invitae Variant Classification Sherloc (09022015). Collection method: clinical testing. Allele origin: germline.

Blueprint Genetics
Classification: Likely benign. Last evaluated: 2024-07-18. Review status: criteria provided, single submitter. Criteria: ACMG Guidelines, 2015. Collection method: clinical testing. Allele origin: germline.

GeneDx
Classification: Likely benign. Last evaluated: 2021-02-19. Review status: criteria provided, single submitter. Criteria: GeneDx Variant Classification Process June 2021. Collection method: clinical testing. Allele origin: germline. Affected: yes.

NM_001042545.2(LTBP4):c.3471G>A (p.Pro1157=)

Gene: LTBP4 (latent transforming growth factor beta binding protein 4; plus strand). Cytogenetic location: 19q13.2.
Variant type: single nucleotide variant.
Coding change: c.3471G>A on transcript NM_001042545.2 (MANE Select); coding-DNA position 3471, G replaced by A.
Protein change: p.Pro1157=; no amino-acid change (proline 1157 retained).
Molecular consequence: synonymous variant.
Genome position (GRCh38, 1-based): chr19:40,622,654, G>A. VCF-style: chr19-40622654-G-A. GRCh37 (hg19) VCF-style: chr19-41128559-G-A.
Other names: c.3672G>A, p.Pro1224= (NM_001042544.1); c.3561G>A, p.Pro1187= (NM_003573.2).
Identifiers: ClinVar variation 391137 (VCV000391137.13), dbSNP rs200326793, ClinGen allele CA9449009.